The following is an entry in ClinVar:

NM_000260.4(MYO7A):c.2404C>T (p.Arg802Cys)

Gene: MYO7A (myosin VIIA; plus strand). Cytogenetic location: 11q13.5.
Variant type: single nucleotide variant.
Coding change: c.2404C>T on transcript NM_000260.4 (MANE Select); coding-DNA position 2404, C replaced by T.
Protein change: p.Arg802Cys; replaces arginine 802 with cysteine.
Molecular consequence: missense variant.
Genome position (GRCh38, 1-based): chr11:77,179,771, C>T. VCF-style: chr11-77179771-C-T. GRCh37 (hg19) VCF-style: chr11-76890817-C-T.
Other names: p.Arg802Cys; c.2404C>T, p.Arg802Cys (NM_001127180.2); c.2371C>T, p.Arg791Cys (NM_001369365.1); short protein forms R791C, R802C.
Identifiers: ClinVar variation 864445 (VCV000864445.11), dbSNP rs376169396, ClinGen allele CA6197834.

ClinVar aggregate classification (germline): Uncertain significance. Review status: criteria provided, multiple submitters, no conflicts (2 of 4 stars). 6 submissions from 6 submitters: Uncertain significance (5). 1 of the submissions does not count toward it. Last evaluated 2025-06-12.

Conditions:
Autosomal dominant nonsyndromic hearing loss 11. Identifiers: Orphanet 90635, MedGen C1832475, MONDO:0011032, OMIM 601317.
Autosomal recessive nonsyndromic hearing loss 2. Also called: DEAFNESS, AUTOSOMAL RECESSIVE 2; NEUROSENSORY NONSYNDROMIC RECESSIVE DEAFNESS 2. Identifiers: Orphanet 90636, MedGen C1838701, MONDO:0010807, OMIM 600060.
Usher syndrome type 1 (USH1). Also called: RETINITIS PIGMENTOSA AND CONGENITAL DEAFNESS. Identifiers: Orphanet 231169, Orphanet 886, MedGen C1568247, MONDO:0010168, OMIM 276900.
Usher syndrome type 1B (USH1B). Also called: Usher syndrome type IB. Identifiers: MedGen C1848638, MONDO:0700087.
Inborn genetic diseases. Identifiers: MedGen C0950123, MeSH D030342.

Allele frequency attached by ClinVar (database versions not stated): gnomAD exomes 0.00002; TOPMed 0.00005; ExAC 0.00007; gnomAD 0.00007 and 0.00008; ESP Exome Variant Server 0.00009.

Submissions (6):

Ambry Genetics
Classification: Uncertain significance for Inborn genetic diseases. Last evaluated: 2025-06-12. Review status: criteria provided, single submitter. Criteria: Ambry Variant Classification Scheme 2023. Collection method: clinical testing. Allele origin: germline.

Mayo Clinic Laboratories, Mayo Clinic
Classification: Uncertain significance. Last evaluated: 2025-02-06. Review status: criteria provided, single submitter. Criteria: ACMG Guidelines, 2015. Collection method: clinical testing. Allele origin: germline. Observed: 1 variant allele.
Comment: PP3, PM2_moderate

Labcorp Genetics (formerly Invitae), Labcorp
Classification: Uncertain significance. Last evaluated: 2024-07-09. Review status: criteria provided, single submitter. Criteria: Invitae Variant Classification Sherloc (09022015). Collection method: clinical testing. Allele origin: germline.
Comment: This sequence change replaces arginine, which is basic and polar, with cysteine, which is neutral and slightly polar, at codon 802 of the MYO7A protein (p.Arg802Cys). The frequency data for this variant in the population databases is considered unreliable, as metrics indicate poor data quality at this position in the gnomAD database. This variant has not been reported in the literature in individuals affected with MYO7A-related conditions. ClinVar contains an entry for this variant (Variation ID: 864445). Advanced modeling of protein sequence and biophysical properties (such as structural, functional, and spatial information, amino acid conservation, physicochemical variation, residue mobility, and thermodynamic stability) has been performed at Invitae for this missense variant, however the output from this modeling did not meet the statistical confidence thresholds required to predict the impact of this variant on MYO7A protein function. In summary, the available evidence is currently insufficient to determine the role of this variant in disease. Therefore, it has been classified as a Variant of Uncertain Significance.

Fulgent Genetics
Classification: Uncertain significance for Usher syndrome type 1; Autosomal recessive nonsyndromic hearing loss 2; Autosomal dominant nonsyndromic hearing loss 11. Last evaluated: 2021-12-13. Review status: criteria provided, single submitter. Criteria: ACMG Guidelines, 2015. Collection method: clinical testing. Allele origin: unknown.

GeneDx
Classification: Uncertain significance. Last evaluated: 2019-09-23. Review status: criteria provided, single submitter. Criteria: GeneDx Variant Classification Process June 2021. Collection method: clinical testing. Allele origin: germline. Affected: yes.
Comment: In silico analysis, which includes protein predictors and evolutionary conservation, supports a deleterious effect; Has not been previously published as pathogenic or benign to our knowledge

Natera, Inc.
Classification: Uncertain significance for Usher syndrome type 1B. Last evaluated: 2020-02-26. Review status: no assertion criteria provided. Collection method: clinical testing. Allele origin: germline. Not counted in ClinVar's aggregate classification.